The following is an entry in ClinVar:

ClinVar aggregate classification (germline): Uncertain significance (1 of 4 stars; one submission).

Conditions:
Inborn genetic diseases. Identifiers: MedGen C0950123, MeSH D030342.

Submission:

Ambry Genetics
Classification: Uncertain significance for Inborn genetic diseases. Last evaluated: 2025-10-21. Review status: criteria provided, single submitter. Criteria: Ambry Variant Classification Scheme 2023. Collection method: clinical testing. Allele origin: germline.
Comment: The c.4692A>G (p.Q1564Q) alteration is located in exon 16 (coding exon 16) of the ATRX gene. This alteration consists of an A to G substitution at nucleotide position 4692. This nucleotide substitution does not change the amino acid at codon 1564. This variant was not reported in population-based cohorts in the Genome Aggregation Database (gnomAD). This nucleotide position is not well conserved in available vertebrate species. In silico splice site analysis predicts that this alteration will result in the creation or strengthening of a novel splice donor site. Based on insufficient or conflicting evidence, the clinical significance of this alteration remains unclear.

NM_000489.6(ATRX):c.4692A>G (p.Gln1564=)

Gene: ATRX (ATRX chromatin remodeler; minus strand). Cytogenetic location: Xq21.1.
Variant type: single nucleotide variant.
Coding change: c.4692A>G on transcript NM_000489.6 (MANE Select); coding-DNA position 4692, A replaced by G.
Protein change: p.Gln1564=; no amino-acid change (glutamine 1564 retained).
Molecular consequence: synonymous variant.
Genome position (GRCh38, 1-based): chrX:77,635,922, T>C on the plus strand (A>G on the coding strand, the complement: ATRX is on the minus strand). VCF-style: chrX-77635922-T-C. GRCh37 (hg19) VCF-style: chrX-76891413-T-C.
Other names: c.4578A>G, p.Gln1526= (NM_138270.5).
Identifiers: ClinVar variation 4592861 (VCV004592861.1).